The following is an entry in ClinVar:

NM_000392.5(ABCC2):c.3259-10G>A

Genes: ABCC2 (ATP binding cassette subfamily C member 2; plus strand), LOC126861013 (CDK7 strongly-dependent group 2 enhancer GRCh37_chr10:101593724-101594923; plus strand). Cytogenetic location: 10q24.2.
Variant type: single nucleotide variant.
Coding change: c.3259-10G>A on transcript NM_000392.5 (MANE Select); 10 bases into the intron before coding-DNA position 3259, G replaced by A.
Molecular consequence: intron variant.
Genome position (GRCh38, 1-based): chr10:99,834,370, G>A. VCF-style: chr10-99834370-G-A. GRCh37 (hg19) VCF-style: chr10-101594127-G-A.
Other names: c.3259-10G>A (NM_000392.4).
Identifiers: ClinVar variation 2895858 (VCV002895858.4), dbSNP rs376318452, ClinGen allele CA5643751.
Genomic context (GRCh38, chr10:99,834,370, plus strand): 5'-GAACTAGGAAGATGTAAACTATCTTAGGAAGACCTCAGTGATGGTGTATCTCTCCTAATC[G>A]TTTTCCTAGGATATTTCCACAGTGGATGACACCCTGCCTCAGTCCTTGCGCAGCTGGATT-3'

ClinVar aggregate classification (germline): Likely benign. Review status: criteria provided, multiple submitters, no conflicts (2 of 4 stars). 2 submissions from 2 submitters: Likely benign (2). Last evaluated 2025-02-03.

Conditions:
ABCC2-related disorder. Also called: ABCC2-related condition.

Allele frequency attached by ClinVar (database versions not stated): gnomAD 0.00001; TOPMed 0.00001; ExAC 0.00002.
gnomAD v4.1: 50 of 1,613,740 alleles (0.0031%); highest among the groups gnomAD compares: Non-Finnish European, 0.0039%; no homozygotes.

Submissions (2):

PreventionGenetics, part of Exact Sciences
Classification: Likely benign for ABCC2-related condition. Last evaluated: 2025-02-03. Review status: criteria provided, single submitter. Criteria: ACMG Guidelines, 2015. Collection method: clinical testing. Allele origin: germline.
Comment: This variant is classified as likely benign based on ACMG/AMP sequence variant interpretation guidelines (Richards et al. 2015 PMID: 25741868, with internal and published modifications).

Labcorp Genetics (formerly Invitae), Labcorp
Classification: Likely benign. Last evaluated: 2024-01-18. Review status: criteria provided, single submitter. Criteria: Invitae Variant Classification Sherloc (09022015). Collection method: clinical testing. Allele origin: germline.